The following is an entry in ClinVar:

ClinVar aggregate classification (germline): Uncertain significance (1 of 4 stars; one submission).

Conditions:
Dilated cardiomyopathy 1G (CMD1G). Identifiers: Orphanet 154, MedGen C1858763, MONDO:0011400, OMIM 604145.
Autosomal recessive limb-girdle muscular dystrophy type 2J (LGMDR10). Also called: Limb-girdle muscular dystrophy, type 2J; MUSCULAR DYSTROPHY, LIMB-GIRDLE, AUTOSOMAL RECESSIVE 10. Identifiers: Orphanet 140922, MedGen C1837342, MONDO:0012127, OMIM 608807.

Submission:

Labcorp Genetics (formerly Invitae), Labcorp
Classification: Uncertain significance for Dilated cardiomyopathy 1G; Autosomal recessive limb-girdle muscular dystrophy type 2J. Last evaluated: 2024-12-19. Review status: criteria provided, single submitter. Criteria: Invitae Variant Classification Sherloc (09022015). Collection method: clinical testing. Allele origin: germline.
Comment: This sequence change replaces glutamine, which is neutral and polar, with histidine, which is basic and polar, at codon 35427 of the TTN protein (p.Gln35427His). This variant is not present in population databases (gnomAD no frequency). This variant has not been reported in the literature in individuals affected with TTN-related conditions. An algorithm developed to predict the effect of missense changes on protein structure and function outputs the following: PolyPhen-2: "Not Available". The histidine amino acid residue is found in multiple mammalian species, which suggests that this missense change does not adversely affect protein function. This variant is located in the M band of TTN (PMID: 25589632). Non-truncating variants in this region may be relevant for neuromuscular disorders, but have not been definitively shown to cause cardiomyopathy (PMID: 23975875). In summary, the available evidence is currently insufficient to determine the role of this variant in disease. Therefore, it has been classified as a Variant of Uncertain Significance.

Literature cited by the submitters: PubMed 25589632; PubMed 23975875.

NM_001267550.2(TTN):c.106281G>C (p.Gln35427His)

Genes: TTN (titin; minus strand), TTN-AS1 (TTN antisense RNA 1; plus strand). Cytogenetic location: 2q31.2.
Variant type: single nucleotide variant.
Coding change: c.106281G>C on transcript NM_001267550.2 (MANE Select); coding-DNA position 106281, G replaced by C.
Protein change: p.Gln35427His; replaces glutamine 35427 with histidine.
Molecular consequence: missense variant.
Genome position (GRCh38, 1-based): chr2:178,530,334, C>G on the plus strand (G>C on the coding strand, the complement: TTN is on the minus strand). VCF-style: chr2-178530334-C-G. GRCh37 (hg19) VCF-style: chr2-179395061-C-G.
Other names: c.101358G>C, p.Gln33786His (NM_001256850.1); c.79086G>C, p.Gln26362His (NM_003319.4); c.98577G>C, p.Gln32859His (NM_133378.4); c.79461G>C, p.Gln26487His (NM_133432.3); c.79662G>C, p.Gln26554His (NM_133437.4); short protein forms Q26362H, Q26487H, Q26554H, Q32859H, Q33786H, Q35427H.
Identifiers: ClinVar variation 3760105 (VCV003760105.2).